The following is an entry in ClinVar:

NM_015346.4(ZFYVE26):c.2955del (p.Leu984_Trp985insTer)

Gene: ZFYVE26 (zinc finger FYVE-type containing 26; minus strand). Cytogenetic location: 14q24.1.
Variant type: Deletion.
Coding change: c.2955del on transcript NM_015346.4 (MANE Select); coding-DNA position 2955, one base deleted (G; older notation c.2955delG).
Protein change: p.Leu984_Trp985insTer.
Molecular consequence: nonsense.
Genome position (GRCh38, 1-based): chr14:67,789,399, C deleted on the plus strand (G on the coding strand, the reverse complement: ZFYVE26 is on the minus strand); the first of 2 consecutive C bases (chr14:67,789,399-67,789,400); deleting either gives the same sequence. VCF-style (leftmost placement, unchanged base first): chr14-67789398-TC-T. GRCh37 (hg19) VCF-style: chr14-68256115-TC-T.
Identifiers: ClinVar variation 2751168 (VCV002751168.3), dbSNP rs2502828129, ClinGen allele CA2697554021.
Genomic context (GRCh38, chr14:67,789,398, plus strand): 5'-GCCTTTCAAGGCTACTATTCAAACGCCGTTCGGCTGTCTCCAAAAGCTGCTTGCAGGTTT[TC>T]CAGAGCTGGCACTGAGAGCAAGCTAGGTCAAATGCAGCCATGGCAGGGGGACTGAGGTCT-3'

ClinVar aggregate classification (germline): Pathogenic (1 of 4 stars; one submission).

Conditions:
Spastic paraplegia. Identifiers: MedGen C0037772, HP:0001258.

Submission:

Labcorp Genetics (formerly Invitae), Labcorp
Classification: Pathogenic for Spastic paraplegia. Last evaluated: 2023-08-08. Review status: criteria provided, single submitter. Criteria: Invitae Variant Classification Sherloc (09022015). Collection method: clinical testing. Allele origin: germline.
Comment: For these reasons, this variant has been classified as Pathogenic. This variant has not been reported in the literature in individuals affected with ZFYVE26-related conditions. This variant is not present in population databases (gnomAD no frequency). This sequence change creates a premature translational stop signal (p.Trp985*) in the ZFYVE26 gene. It is expected to result in an absent or disrupted protein product. Loss-of-function variants in ZFYVE26 are known to be pathogenic (PMID: 18394578, 19805727).

Literature cited by the submitters: PubMed 18394578; PubMed 19805727.